The following is an entry in ClinVar:

NM_003896.4(ST3GAL5):c.207-2A>C

Gene: ST3GAL5 (ST3 beta-galactoside alpha-2,3-sialyltransferase 5; minus strand). Cytogenetic location: 2p11.2.
Variant type: single nucleotide variant.
Coding change: c.207-2A>C on transcript NM_003896.4 (MANE Select); the canonical splice acceptor site of the intron before coding-DNA position 207, A replaced by C.
Molecular consequence: splice acceptor variant.
Genome position (GRCh38, 1-based): chr2:85,861,294, T>G on the plus strand (A>C on the coding strand, the complement: ST3GAL5 is on the minus strand). VCF-style: chr2-85861294-T-G. GRCh37 (hg19) VCF-style: chr2-86088417-T-G.
Other names: c.-795-2A>C (NM_001354233.2); c.-418-2A>C (NM_001354224.2); c.123-2A>C (NM_001354227.2, NM_001354229.2, NM_001354238.1); c.-355-2A>C (NM_001354223.2, NM_001354226.2); c.138-2A>C (NM_001042437.2); c.207-2A>C (NM_001363847.1); c.-759-2A>C (NM_001354234.1).
Identifiers: ClinVar variation 1065916 (VCV001065916.9), dbSNP rs2104059095, ClinGen allele CA347534177.

ClinVar aggregate classification (germline): Likely pathogenic (1 of 4 stars; one submission).

Conditions:
GM3 synthase deficiency (SPDRS). Also called: SALT AND PEPPER DEVELOPMENTAL REGRESSION SYNDROME; AMISH INFANTILE EPILEPSY SYNDROME; SALT AND PEPPER MENTAL RETARDATION SYNDROME. Identifiers: Orphanet 171714, Orphanet 370933, MedGen C1836824, MONDO:0018274, OMIM 609056.

Submission:

Labcorp Genetics (formerly Invitae), Labcorp
Classification: Likely pathogenic for GM3 synthase deficiency. Last evaluated: 2020-02-21. Review status: criteria provided, single submitter. Criteria: Invitae Variant Classification Sherloc (09022015). Collection method: clinical testing. Allele origin: germline.
Comment: This sequence change affects an acceptor splice site in intron 2 of the ST3GAL5 gene. It is expected to disrupt RNA splicing and likely results in an absent or disrupted protein product. This variant is not present in population databases (ExAC no frequency). This variant has not been reported in the literature in individuals with ST3GAL5-related conditions. Algorithms developed to predict the effect of sequence changes on RNA splicing suggest that this variant may disrupt the consensus splice site, but this prediction has not been confirmed by published transcriptional studies. Donor and acceptor splice site variants typically lead to a loss of protein function (PMID: 16199547), and loss-of-function variants in ST3GAL5 are known to be pathogenic (PMID: 15502825, 22990144, 27232954). In summary, the currently available evidence indicates that the variant is pathogenic, but additional data are needed to prove that conclusively. Therefore, this variant has been classified as Likely Pathogenic.

Literature cited by the submitters: PubMed 16199547; PubMed 15502825; PubMed 22990144; PubMed 27232954.